The following is an entry in ClinVar:

NM_139076.3(ABRAXAS1):c.1018A>G (p.Thr340Ala)

Gene: ABRAXAS1 (abraxas 1, BRCA1 A complex subunit; minus strand). Cytogenetic location: 4q21.23.
Variant type: single nucleotide variant.
Coding change: c.1018A>G on transcript NM_139076.3 (MANE Select); coding-DNA position 1018, A replaced by G.
Protein change: p.Thr340Ala; replaces threonine 340 with alanine.
Molecular consequence: missense variant.
Genome position (GRCh38, 1-based): chr4:83,462,681, T>C on the plus strand (A>G on the coding strand, the complement: ABRAXAS1 is on the minus strand). VCF-style: chr4-83462681-T-C. GRCh37 (hg19) VCF-style: chr4-84383834-T-C.
Other names: c.691A>G, p.Thr231Ala (NM_001345962.2); short protein forms T340A, T231A.
Identifiers: ClinVar variation 844392 (VCV000844392.7), dbSNP rs758969039, ClinGen allele CA2990394.

ClinVar aggregate classification (germline): Uncertain significance (1 of 4 stars; one submission).

Allele frequency attached by ClinVar (database versions not stated): gnomAD exomes below 0.00001; ExAC 0.00001; TOPMed 0.00002.

Submission:

Labcorp Genetics (formerly Invitae), Labcorp
Classification: Uncertain significance. Last evaluated: 2022-01-27. Review status: criteria provided, single submitter. Criteria: Invitae Variant Classification Sherloc (09022015). Collection method: clinical testing. Allele origin: germline.
Comment: Algorithms developed to predict the effect of missense changes on protein structure and function output the following: SIFT: "Tolerated"; PolyPhen-2: "Benign"; Align-GVGD: "Class C0". The alanine amino acid residue is found in multiple mammalian species, which suggests that this missense change does not adversely affect protein function. ClinVar contains an entry for this variant (Variation ID: 844392). This variant has not been reported in the literature in individuals affected with ABRAXAS1-related conditions. In summary, the available evidence is currently insufficient to determine the role of this variant in disease. Therefore, it has been classified as a Variant of Uncertain Significance. This variant is present in population databases (rs758969039, gnomAD 0.006%). This sequence change replaces threonine, which is neutral and polar, with alanine, which is neutral and non-polar, at codon 340 of the ABRAXAS1 protein (p.Thr340Ala).